The following is an entry in ClinVar:

ClinVar aggregate classification (germline): Uncertain significance (1 of 4 stars; one submission).

gnomAD v4.1: 13 of 1,611,662 alleles (0.00081%); highest among the groups gnomAD compares: South Asian, 0.012%; no homozygotes.

Submission:

Ambry Genetics
Classification: Uncertain significance. Last evaluated: 2025-02-19. Review status: criteria provided, single submitter. Criteria: Ambry Variant Classification Scheme 2023. Collection method: clinical testing. Allele origin: germline.
Comment: The p.I68V variant (also known as c.202A>G), located in coding exon 2 of the SRP72 gene, results from an A to G substitution at nucleotide position 202. The isoleucine at codon 68 is replaced by valine, an amino acid with highly similar properties. This amino acid position is conserved. In addition, this alteration is predicted to be tolerated by in silico analysis. Based on the available evidence, the clinical significance of this variant remains unclear.

NM_006947.4(SRP72):c.202A>G (p.Ile68Val)

Gene: SRP72 (signal recognition particle 72; plus strand). Cytogenetic location: 4q12.
Variant type: single nucleotide variant.
Coding change: c.202A>G on transcript NM_006947.4 (MANE Select); coding-DNA position 202, A replaced by G.
Protein change: p.Ile68Val; replaces isoleucine 68 with valine.
Molecular consequence: missense variant. On other transcripts: non-coding transcript variant (1).
Genome position (GRCh38, 1-based): chr4:56,469,745, A>G. VCF-style: chr4-56469745-A-G. GRCh37 (hg19) VCF-style: chr4-57335911-A-G.
Other names: c.202A>G, p.Ile68Val (NM_001267722.2); short protein forms I68V.
Identifiers: ClinVar variation 3801497 (VCV003801497.1).